The following is an entry in ClinVar:

NM_021948.5(BCAN):c.313C>G (p.Arg105Gly)

Genes: BCAN (brevican; plus strand), BCAN-AS1 (BCAN antisense RNA 1; minus strand), BCAN-AS2 (BCAN antisense RNA 2; minus strand). Cytogenetic location: 1q23.1.
Variant type: single nucleotide variant.
Coding change: c.313C>G on transcript NM_021948.5 (MANE Select); coding-DNA position 313, C replaced by G.
Protein change: p.Arg105Gly; replaces arginine 105 with glycine.
Molecular consequence: missense variant.
Genome position (GRCh38, 1-based): chr1:156,647,022, C>G. VCF-style: chr1-156647022-C-G. GRCh37 (hg19) VCF-style: chr1-156616814-C-G.
Other names: c.313C>G, p.Arg105Gly (NM_198427.2); short protein forms R105G.
Identifiers: ClinVar variation 402409 (VCV000402409.5), dbSNP rs115373136, ClinGen allele CA1163700.

ClinVar aggregate classification (germline): Benign. Review status: criteria provided, multiple submitters, no conflicts (2 of 4 stars). 2 submissions from 2 submitters: Benign (2). Last evaluated 2016-03-29.

Allele frequency attached by ClinVar (database versions not stated): gnomAD exomes 0.01765; 1000 Genomes Project 30x 0.00547; 1000 Genomes Project 0.00559; TOPMed 0.00926; ESP Exome Variant Server 0.00954; gnomAD 0.01465 and 0.01510; ExAC 0.01696.
gnomAD v4.1: 23,828 of 1,612,772 alleles (1.5%); highest among the groups gnomAD compares: Admixed American, 1.6%; 309 homozygotes.

Submissions (2):

Laboratory for Molecular Medicine, Mass General Brigham Personalized Medicine
Classification: Benign. Last evaluated: 2016-03-29. Review status: criteria provided, single submitter. Criteria: LMM Criteria. Collection method: clinical testing. Allele origin: germline.
Comment: Variant identified in a genome or exome case(s) and assessed due to predicted null impact of the variant or pathogenic assertions in the literature or databases. Disclaimer: This variant has not undergone full assessment. The following are preliminary notes: Frequency

Breakthrough Genomics
Classification: Benign. Review status: criteria provided, single submitter. Criteria: ACMG Guidelines, 2015. Collection method: not provided. Allele origin: germline. Inheritance: Unknown mechanism. Affected: yes.